The following is an entry in ClinVar:

ClinVar aggregate classification (germline): Uncertain significance (1 of 4 stars; one submission).

Submission:

Dasa
Classification: Uncertain significance. Last evaluated: 2025-12-30. Review status: criteria provided, single submitter. Criteria: DASA Assertion Criteria. Collection method: clinical testing. Allele origin: germline.
Comment: NM_004006.3(DMD):c.3995A>T (p.Asp1332Val) is a missense variant that results in the substitution of aspartic acid with valine. The variant is present at low frequency in population datasets. Based on the available data, this variant is classified as variant of uncertain significance.

NM_004006.3(DMD):c.3995A>T (p.Asp1332Val)

Gene: DMD (dystrophin; minus strand). Cytogenetic location: Xp21.1.
Variant type: single nucleotide variant.
Coding change: c.3995A>T on transcript NM_004006.3 (MANE Select); coding-DNA position 3995, A replaced by T.
Protein change: p.Asp1332Val; replaces aspartic acid 1332 with valine.
Molecular consequence: missense variant.
Genome position (GRCh38, 1-based): chrX:32,438,317, T>A on the plus strand (A>T on the coding strand, the complement: DMD is on the minus strand). VCF-style: chrX-32438317-T-A. GRCh37 (hg19) VCF-style: chrX-32456434-T-A.
Other names: c.3971A>T, p.Asp1324Val (NM_000109.4); c.3983A>T, p.Asp1328Val (NM_004009.3); c.3626A>T, p.Asp1209Val (NM_004010.3); short protein forms D1209V, D1324V, D1328V, D1332V.
Identifiers: ClinVar variation 4851817 (VCV004851817.1).